The following is an entry in ClinVar:

NM_033380.3(COL4A5):c.4378_4379insA (p.Gly1460fs)

Gene: COL4A5 (collagen type IV alpha 5 chain; plus strand). Cytogenetic location: Xq22.3.
Variant type: Insertion.
Coding change: c.4378_4379insA on transcript NM_033380.3 (MANE Select); coding-DNA positions 4378 to 4379, A inserted.
Protein change: p.Gly1460fs; shifts the reading frame from glycine 1460.
Molecular consequence: frameshift variant.
Genome position: GRCh38 VCF-style: chrX-108687544-G-GA. GRCh37 (hg19) VCF-style: chrX-107930774-G-GA.
Other names: c.4360_4361insA, p.Gly1454fs (NM_000495.5); short protein forms G1454fs, G1460fs.
Identifiers: ClinVar variation 1724991 (VCV001724991.2), dbSNP rs2524632295, ClinGen allele CA2580100168.

ClinVar aggregate classification (germline): Likely pathogenic (1 of 4 stars; one submission).

Conditions:
X-linked Alport syndrome (ATS1). Also called: COL4A5-Related Nephropathy; NEPHROPATHY AND DEAFNESS, X-LINKED. Identifiers: Orphanet 63, Orphanet 88917, MedGen C4746986, MONDO:0010520, OMIM 301050.

Submission:

Myriad Genetics, Inc.
Classification: Likely pathogenic for X-linked Alport syndrome. Last evaluated: 2022-03-04. Review status: criteria provided, single submitter. Criteria: Myriad Women's Health Autosomal Recessive and X-Linked Classification Criteria (2021). Collection method: clinical testing. Allele origin: unknown.
Comment: NM_000495.4(COL4A5):c.4360_4361insA(G1454Efs*32) is expected to be pathogenic in the context of X-linked Alport syndrome. This variant is predicted to lead to an abnormal or absent protein product due to the creation of a premature termination codon in COL4A5, a gene where loss-of-function variants are known to be pathogenic. Please note: this variant was assessed in the context of healthy population screening.